The following is an entry in ClinVar:

ClinVar aggregate classification (germline): Uncertain significance (1 of 4 stars; one submission).

Submission:

GeneDx
Classification: Uncertain significance. Last evaluated: 2024-01-05. Review status: criteria provided, single submitter. Criteria: GeneDx Variant Classification Process June 2021. Collection method: clinical testing. Allele origin: germline. Affected: yes.
Comment: Not observed at significant frequency in large population cohorts (gnomAD); Canonical splice site variant in a gene or region of a gene for which loss of function is not a well-established mechanism of disease; Has not been previously published as pathogenic or benign to our knowledge

NM_001220.5(CAMK2B):c.1768+1G>C

Gene: CAMK2B (calcium/calmodulin dependent protein kinase II beta; minus strand). Cytogenetic location: 7p13.
Variant type: single nucleotide variant.
Coding change: c.1768+1G>C on transcript NM_001220.5 (MANE Select); the canonical splice donor site of the intron after coding-DNA position 1768, G replaced by C.
Molecular consequence: splice donor variant.
Genome position (GRCh38, 1-based): chr7:44,220,615, C>G on the plus strand (G>C on the coding strand, the complement: CAMK2B is on the minus strand). VCF-style: chr7-44220615-C-G. GRCh37 (hg19) VCF-style: chr7-44260214-C-G.
Other names: c.1117+1G>C (NM_172084.3); c.1321+1G>C (NM_172080.3); c.1207+1G>C (NM_172083.3); c.1279+1G>C (NM_172081.3); c.1324+1G>C (NM_172079.3); c.1246+1G>C (NM_172082.3); c.1396+1G>C (NM_001293170.2, NM_172078.3).
Identifiers: ClinVar variation 3367634 (VCV003367634.1).
Genomic context (GRCh38, chr7:44,220,615, plus strand): 5'-GGGCCGAGAGGCTCTCCTGGGGGCACCGCCCCCTCATGCCCACCCGGGCTTCCTCACTCA[C>G]GGTTCTCGAAGTAGAATCTGTGGAAGTCCATCCCTTCAACCAGGTTGCCCAGTGCTTCAG-3'